The following is an entry in ClinVar:

ClinVar aggregate classification (germline): Uncertain significance (1 of 4 stars; one submission).

gnomAD v4.1: 6 of 1,509,284 alleles (0.0004%); highest among the groups gnomAD compares: Admixed American, 0.005%; no homozygotes.

Submission:

Women's Health and Genetics/Laboratory Corporation of America, LabCorp
Classification: Uncertain significance. Last evaluated: 2026-01-14. Review status: criteria provided, single submitter. Criteria: LabCorp Variant Classification Summary - May 2015. Collection method: clinical testing. Allele origin: germline.
Comment: Variant summary: CHD3 c.4925-10C>A alters a nucleotide located at a position not widely known to affect splicing. Several computational tools predict a significant impact on normal splicing: One predict the variant abolishes a 3' acceptor site. Two predict the variant weakens a 3' acceptor site. One predict the variant no significant impact on splicing. However, these predictions have yet to be confirmed by functional studies. The variant allele was found at a frequency of 1.4e-05 in 147408 control chromosomes. The available data on variant occurrences in the general population are insufficient to allow any conclusion about variant significance. To our knowledge, no occurrence of c.4925-10C>A in individuals affected with CHD3-related conditions and no experimental evidence demonstrating its impact on protein function have been reported. No submitters have cited clinical-significance assessments for this variant to ClinVar. Based on the evidence outlined above, the variant was classified as uncertain significance.

NM_001005273.3(CHD3):c.4925-10C>A

Gene: CHD3 (chromodomain helicase DNA binding protein 3; plus strand). Cytogenetic location: 17p13.1.
Variant type: single nucleotide variant.
Coding change: c.4925-10C>A on transcript NM_001005273.3 (MANE Select); 10 bases into the intron before coding-DNA position 4925, C replaced by A.
Molecular consequence: intron variant.
Genome position (GRCh38, 1-based): chr17:7,907,591, C>A. VCF-style: chr17-7907591-C-A. GRCh37 (hg19) VCF-style: chr17-7810909-C-A.
Other names: c.5089+103C>A (NM_001437508.1); c.4924+103C>A (NM_005852.4); c.5102-10C>A (NM_001437504.1, NM_001005271.3); c.5090-10C>A (NM_001437509.1, NM_001437507.1).
Identifiers: ClinVar variation 4689411 (VCV004689411.1).
Genomic context (GRCh38, chr17:7,907,591, plus strand): 5'-GATTTCCCTCTTCTGGGGTCAGGGGATGAGGGTAACATCCTCCCTTCCTATCCCCTACCC[C>A]CTCCCACAGCCACAGAGTCGACGCCAGGAGAAAGGGGGGAGGAGAAGCCGTTGGATGGAC-3'